The following is an entry in ClinVar:

NM_000535.7(PMS2):c.984T>C (p.Asp328=)

Gene: PMS2 (PMS1 homolog 2, mismatch repair system component; minus strand). Cytogenetic location: 7p22.1.
Variant type: single nucleotide variant.
Coding change: c.984T>C on transcript NM_000535.7 (MANE Select); coding-DNA position 984, T replaced by C.
Protein change: p.Asp328=; no amino-acid change (aspartic acid 328 retained).
Molecular consequence: synonymous variant. On other transcripts: non-coding transcript variant (1).
Genome position (GRCh38, 1-based): chr7:5,991,977, A>G on the plus strand (T>C on the coding strand, the complement: PMS2 is on the minus strand). VCF-style: chr7-5991977-A-G. GRCh37 (hg19) VCF-style: chr7-6031608-A-G.
Other names: c.579T>C, p.Asp193= (NM_001322003.2, NM_001322004.2, NM_001322005.2 and 2 more transcripts); c.984T>C, p.Asp328= (NM_001322006.2, NM_001322014.2); c.666T>C, p.Asp222= (NM_001322007.2, NM_001322008.2); c.51T>C, p.Asp17= (NM_001322011.2, NM_001322012.2); c.411T>C, p.Asp137= (NM_001322013.2); c.675T>C, p.Asp225= (NM_001322015.2).
Identifiers: ClinVar variation 1127288 (VCV001127288.12), dbSNP rs2128755014, ClinGen allele CA453644997.
Genomic context (GRCh38, chr7:5,991,977, plus strand): 5'-ATTTTATTCTTTGAGGCATTAGTCACTAGTTGTACTGAAATGCCAATGGAACTTACCTGA[A>G]TCAACAGAAATGTTAAGAACAACAAATGGATACTGGTGTCGATTATACATGTGGTAGACC-3'
Protein context (NP_000526.2, residues 318-338): YPFVVLNISV[Asp328=]SECVDINVTP

ClinVar aggregate classification (germline): Benign/Likely benign. Review status: criteria provided, multiple submitters, no conflicts (2 of 4 stars). 3 submissions from 3 submitters: Benign (1); Likely benign (2). Last evaluated 2025-01-29.

Conditions:
Hereditary nonpolyposis colorectal neoplasms. Identifiers: MedGen C0009405, MeSH D003123.
Hereditary cancer-predisposing syndrome. Also called: Hereditary neoplastic syndrome; Hereditary Cancer Syndrome; Tumor predisposition; Neoplastic Syndromes, Hereditary. Identifiers: Orphanet 140162, MedGen C0027672, MeSH D009386, MONDO:0015356.
Lynch syndrome 4 (LYNCH4). Also called: Colorectal cancer, hereditary nonpolyposis, type 4; Hereditary non-polyposis colorectal cancer, type 4. Identifiers: Orphanet 144, MedGen C1838333, MONDO:0013699, OMIM 614337. Disease mechanism: loss of function.

Submissions (3):

Myriad Genetics, Inc.
Classification: Benign for Lynch syndrome 4. Last evaluated: 2025-01-29. Review status: criteria provided, single submitter. Criteria: Myriad Autosomal Dominant, Autosomal Recessive and X-Linked Classification Criteria (2023). Collection method: clinical testing. Allele origin: unknown.
Comment: This variant is considered benign. This variant is a silent/synonymous amino acid change and it is not expected to impact splicing.

Labcorp Genetics (formerly Invitae), Labcorp
Classification: Likely benign for Hereditary nonpolyposis colorectal neoplasms. Last evaluated: 2022-07-12. Review status: criteria provided, single submitter. Criteria: Invitae Variant Classification Sherloc (09022015). Collection method: clinical testing. Allele origin: germline.

Color Diagnostics, LLC DBA Color Health
Classification: Likely benign for Hereditary cancer-predisposing syndrome. Last evaluated: 2022-06-13. Review status: criteria provided, single submitter. Criteria: ACMG Guidelines, 2015. Collection method: clinical testing. Allele origin: germline.